The following is an entry in ClinVar:

ClinVar aggregate classification (germline): Uncertain significance. Review status: criteria provided, multiple submitters, no conflicts (2 of 4 stars). 2 submissions from 2 submitters: Uncertain significance (2). Last evaluated 2025-01-09.

Conditions:
Inborn genetic diseases. Identifiers: MedGen C0950123, MeSH D030342.
Hereditary spastic paraplegia 28. Also called: Spastic paraplegia 28, autosomal recessive. Identifiers: Orphanet 101008, MedGen C1836295, MONDO:0012256, OMIM 609340.

Allele frequency attached by ClinVar (database versions not stated): ExAC 0.00001; TOPMed 0.00002; gnomAD 0.00003 and 0.00004; gnomAD exomes 0.00003 and 0.00006.
gnomAD v4.1: 95 of 1,613,852 alleles (0.0059%); highest among the groups gnomAD compares: Non-Finnish European, 0.0075%; no homozygotes.

Submissions (2):

Ambry Genetics
Classification: Uncertain significance for Inborn genetic diseases. Last evaluated: 2025-01-09. Review status: criteria provided, single submitter. Criteria: Ambry Variant Classification Scheme 2023. Collection method: clinical testing. Allele origin: germline.

Labcorp Genetics (formerly Invitae), Labcorp
Classification: Uncertain significance for Hereditary spastic paraplegia 28. Last evaluated: 2022-06-20. Review status: criteria provided, single submitter. Criteria: Invitae Variant Classification Sherloc (09022015). Collection method: clinical testing. Allele origin: germline.
Comment: This sequence change replaces glycine, which is neutral and non-polar, with glutamic acid, which is acidic and polar, at codon 766 of the DDHD1 protein (p.Gly766Glu). This variant is present in population databases (rs763441792, gnomAD 0.006%). This variant has not been reported in the literature in individuals affected with DDHD1-related conditions. ClinVar contains an entry for this variant (Variation ID: 573202). Algorithms developed to predict the effect of missense changes on protein structure and function are either unavailable or do not agree on the potential impact of this missense change (SIFT: "Tolerated"; PolyPhen-2: "Probably Damaging"; Align-GVGD: "Class C0"). In summary, the available evidence is currently insufficient to determine the role of this variant in disease. Therefore, it has been classified as a Variant of Uncertain Significance.

NM_001160148.2(DDHD1):c.2276G>A (p.Gly759Glu)

Gene: DDHD1 (DDHD domain containing 1; minus strand). Cytogenetic location: 14q22.1.
Variant type: single nucleotide variant.
Coding change: c.2276G>A on transcript NM_001160148.2 (MANE Select); coding-DNA position 2276, G replaced by A.
Protein change: p.Gly759Glu; replaces glycine 759 with glutamic acid.
Molecular consequence: missense variant.
Genome position (GRCh38, 1-based): chr14:53,054,599, C>T on the plus strand (G>A on the coding strand, the complement: DDHD1 is on the minus strand). VCF-style: chr14-53054599-C-T. GRCh37 (hg19) VCF-style: chr14-53521317-C-T.
Other names: c.2297G>A, p.Gly766Glu (NM_001160147.2); c.2276G>A, p.Gly759Glu (NM_030637.3); c.2276G>A (NM_001160148.1); short protein forms G766E, G759E.
Identifiers: ClinVar variation 573202 (VCV000573202.7), dbSNP rs763441792, ClinGen allele CA7191017.